The following is an entry in ClinVar:

ClinVar aggregate classification (germline): Conflicting classifications of pathogenicity. Review status: criteria provided, conflicting classifications (1 of 4 stars). 6 submissions from 6 submitters: Likely pathogenic (3); Uncertain significance (2). 1 of the submissions does not count toward it. Last evaluated 2025-05-06.

Conditions:
Leukoencephalopathy with calcifications and cysts. Also called: LABRUNE SYNDROME; Leukoencephalopathy, brain calcifications, and cysts. Identifiers: Orphanet 542310, MedGen C3281200, MONDO:0013803, OMIM 614561.
SNORD118-related disorders.

Allele frequency attached by ClinVar (database versions not stated): TOPMed 0.00004.
gnomAD v4.1: 34 of 765,202 alleles (0.0044%); highest among the groups gnomAD compares: African/African-American, 0.0051%; no homozygotes.

Submissions (6):

GeneDx
Classification: Likely pathogenic. Last evaluated: 2025-05-06. Review status: criteria provided, single submitter. Criteria: GeneDx Variant Classification Process June 2021. Collection method: clinical testing. Allele origin: germline. Affected: yes.
Comment: Located in LSm binding motif of the SNORD118 non-coding RNA (PMID: 32359472); This variant is associated with the following publications: (PMID: 37761957, 34220662, 34018027, 33029936, 28424147, 27571260)

Laboratory for Molecular Medicine, Mass General Brigham Personalized Medicine
Classification: Uncertain significance. Last evaluated: 2024-03-19. Review status: criteria provided, single submitter. Criteria: ACMG Guidelines, 2015. Collection method: clinical testing. Allele origin: germline.
Comment: The n.81G>A variant in SNORD118 has been reported in the compound heterozygous state with another variant in at least 6 individuals from 5 families with leukoencephalopathy with calcifications and cysts (Jenkinson 2016 PMID: 27571260; Crow 2021 PMID: 33029936), however the pathogenicity of the other variants identified and whether they occur in trans in these individuals is uncertain and one of these individuals carried 3 variants in SNORD118. This variant has also been reported by other clinical laboratories in ClinVar (Variation ID 929275) and has been identified in 0.001% (1/68024) of European chromosomes by gnomAD (v.3.1.2). This is consistent with the prevalence of the disease in the general population. This variant occurs within the highly conserved GAUU motif of the LSM binding site of U8 snoRNA (Jenkinson 2016 PMID: 27571260), however studies have not characterized the impact of this variant on U8 function. In summary, the clinical significance of this variant is uncertain. ACMG/AMP Criteria applied: PM2_Supporting, PM3_supporting.

Labcorp Genetics (formerly Invitae), Labcorp
Classification: Likely pathogenic. Last evaluated: 2023-09-05. Review status: criteria provided, single submitter. Criteria: Invitae Variant Classification Sherloc (09022015). Collection method: clinical testing. Allele origin: germline.
Comment: In summary, the currently available evidence indicates that the variant is pathogenic, but additional data are needed to prove that conclusively. Therefore, this variant has been classified as Likely Pathogenic. Experimental studies and prediction algorithms are not available or were not evaluated, and the functional significance of this variant is currently unknown. ClinVar contains an entry for this variant (Variation ID: 929275). This variant has been observed in individual(s) with Leukoencephalopathy (PMID: 27571260, 33029936). In at least one individual the data is consistent with being in trans (on the opposite chromosome) from a pathogenic variant. It has also been observed to segregate with disease in related individuals. This variant is present in population databases (rs772667974, gnomAD 0.007%). This variant occurs in the SNORD118 gene, which encodes an RNA molecule that does not result in a protein product.

Blueprint Genetics
Classification: Likely pathogenic for SNORD118-related disorders. Last evaluated: 2019-06-11. Review status: criteria provided, single submitter. Criteria: ACMG Guidelines, 2015. Collection method: clinical testing. Allele origin: germline. Affected: yes. Observed: 1 variant allele.

Breakthrough Genomics
Classification: Uncertain significance. Review status: criteria provided, single submitter. Criteria: ACMG Guidelines, 2015. Collection method: not provided. Allele origin: germline. Inheritance: Autosomal recessive inheritance. Affected: yes.

Laboratory of Neurogenetics and Neuroinflammation, Institut Imagine
Classification: Pathogenic for Leukoencephalopathy, brain calcifications, and cysts. Last evaluated: 2020-04-06. Review status: no assertion criteria provided. Collection method: clinical testing. Allele origin: germline. Affected: yes. Observed: 6 variant alleles. Not counted in ClinVar's aggregate classification.

Literature cited by the submitters: PubMed 27571260 (cited by Labcorp Genetics (formerly Invitae), Labcorp); PubMed 33029936 (cited by Labcorp Genetics (formerly Invitae), Labcorp).

NR_033294.2(SNORD118):n.81G>A

Genes: SNORD118 (small nucleolar RNA, C/D box 118; minus strand), TMEM107 (transmembrane protein 107; minus strand). Cytogenetic location: 17p13.1.
Variant type: single nucleotide variant.
Molecular consequence: non-coding transcript variant (on NR_033294.2). On other transcripts: 3 prime UTR variant (5).
Genome position: GRCh38 VCF-style: chr17-8173508-C-T. GRCh37 (hg19) VCF-style: chr17-8076826-C-T.
Other names: c.*695G>A (NM_001351278.2, NM_001351279.2, NM_001351280.2 and 2 more transcripts).
Identifiers: ClinVar variation 929275 (VCV000929275.10), dbSNP rs772667974, ClinGen allele CA8370666.
Genomic context (GRCh38, chr17:8,173,508, plus strand): 5'-GAAAGAATCAGACAGGAGCAATCAGGGTGTTGCAAGTCCTGATTACGCAGAGACGTTAAT[C>T]ACGTTTCATGCATCTCCAATCATCATGTTCTAATCTGCCCTCCGGAGGAGGAACAGGTAA-3'